The following is an entry in ClinVar:

NM_000051.4(ATM):c.8584+5T>C

Genes: ATM (ATM serine/threonine kinase; plus strand), C11orf65 (chromosome 11 open reading frame 65; minus strand). Cytogenetic location: 11q22.3.
Variant type: single nucleotide variant.
Coding change: c.8584+5T>C on transcript NM_000051.4 (MANE Select); 5 bases into the intron after coding-DNA position 8584, T replaced by C.
Molecular consequence: intron variant.
Genome position (GRCh38, 1-based): chr11:108,345,913, T>C. VCF-style: chr11-108345913-T-C. GRCh37 (hg19) VCF-style: chr11-108216640-T-C.
Other names: c.8584+5T>C (NM_001351834.2); c.641-36842A>G (NM_001330368.2); c.695-10621A>G (NM_001351110.2).
Identifiers: ClinVar variation 925768 (VCV000925768.6), dbSNP rs577897927, ClinGen allele CA6266384.

ClinVar aggregate classification (germline): Uncertain significance. Review status: criteria provided, multiple submitters, no conflicts (2 of 4 stars). 2 submissions from 2 submitters: Uncertain significance (2). Last evaluated 2025-01-12.

Conditions:
Hereditary cancer-predisposing syndrome. Also called: Tumor predisposition; Neoplastic Syndromes, Hereditary; Hereditary neoplastic syndrome; Hereditary Cancer Syndrome. Identifiers: Orphanet 140162, MedGen C0027672, MeSH D009386, MONDO:0015356.
Ataxia-telangiectasia syndrome (AT). Also called: Ataxia-telangiectasia, complementation group D; AT, COMPLEMENTATION GROUP C; ATAXIA-TELANGIECTASIA, COMPLEMENTATION GROUP A; ATAXIA-TELANGIECTASIA, FRESNO VARIANT; Ataxia-telangiectasia; Ataxia telangiectasia (A-T). Identifiers: Orphanet 100, MedGen C0004135, MONDO:0008840, OMIM 208900.

Allele frequency attached by ClinVar (database versions not stated): ExAC 0.00001; gnomAD exomes below 0.00001; gnomAD 0.00001; 1000 Genomes Project 0.00020; 1000 Genomes Project 30x 0.00016.
gnomAD v4.1: 1 of 1,613,574 alleles (0.000062%); highest among the groups gnomAD compares: South Asian, 0.0011%; no homozygotes.

Submissions (2):

Labcorp Genetics (formerly Invitae), Labcorp
Classification: Uncertain significance for Ataxia-telangiectasia syndrome. Last evaluated: 2025-01-12. Review status: criteria provided, single submitter. Criteria: Invitae Variant Classification Sherloc (09022015). Collection method: clinical testing. Allele origin: germline.
Comment: This sequence change falls in intron 58 of the ATM gene. It does not directly change the encoded amino acid sequence of the ATM protein. It affects a nucleotide within the consensus splice site. This variant is present in population databases (rs577897927, gnomAD 0.003%). This variant has not been reported in the literature in individuals affected with ATM-related conditions. ClinVar contains an entry for this variant (Variation ID: 925768). Variants that disrupt the consensus splice site are a relatively common cause of aberrant splicing (PMID: 17576681, 9536098). Algorithms developed to predict the effect of sequence changes on RNA splicing suggest that this variant is not likely to affect RNA splicing. In summary, the available evidence is currently insufficient to determine the role of this variant in disease. Therefore, it has been classified as a Variant of Uncertain Significance.

Color Diagnostics, LLC DBA Color Health
Classification: Uncertain significance for Hereditary cancer-predisposing syndrome. Last evaluated: 2019-04-03. Review status: criteria provided, single submitter. Criteria: ACMG Guidelines, 2015. Collection method: clinical testing. Allele origin: germline.

Literature cited by the submitters: PubMed 17576681 (cited by Labcorp Genetics (formerly Invitae), Labcorp); PubMed 9536098 (cited by Labcorp Genetics (formerly Invitae), Labcorp).